The following is an entry in ClinVar:

NM_020708.5(SLC12A5):c.3126-3dup

Gene: SLC12A5 (solute carrier family 12 member 5; plus strand). Cytogenetic location: 20q13.12.
Variant type: Duplication.
Coding change: c.3126-3dup on transcript NM_020708.5 (MANE Select); 3 bases into the intron before coding-DNA position 3126, one base duplicated (C; older notation c.3126-3dupC).
Molecular consequence: intron variant.
Genome position (GRCh38, 1-based): chr20:46,057,167, C duplicated. VCF-style (leftmost placement, unchanged base first): chr20-46057166-G-GC. GRCh37 (hg19) VCF-style: chr20-44685805-G-GC.
Other names: c.3195-3dup (NM_001134771.2); c.3126-3dupC (NM_020708.4); c.3195-3dupC (NM_001134771.1).
Identifiers: ClinVar variation 542328 (VCV000542328.13), dbSNP rs767708918, ClinGen allele CA9887828.

ClinVar aggregate classification (germline): Conflicting classifications of pathogenicity. Review status: criteria provided, conflicting classifications (1 of 4 stars). 3 submissions from 3 submitters: Uncertain significance (1); Likely benign (1). 1 of the submissions does not count toward it. Last evaluated 2025-09-06.

Conditions:
SLC12A5-related disorder. Also called: SLC12A5-related condition.
Developmental and epileptic encephalopathy, 34 (DEE34). Also called: Early infantile epileptic encephalopathy 34; SLC12A5-Related Epilepsy of Infancy with Migrating Focal Seizures. Identifiers: Orphanet 293181, MedGen C4225257, MONDO:0014718, OMIM 616645.

Allele frequency attached by ClinVar (database versions not stated): gnomAD 0.00044 and 0.00049; TOPMed 0.00062; gnomAD exomes 0.00003 and 0.00011; ExAC 0.00014; 1000 Genomes Project 30x 0.00016; ESP Exome Variant Server 0.00040.

Submissions (3):

Labcorp Genetics (formerly Invitae), Labcorp
Classification: Likely benign for Developmental and epileptic encephalopathy, 34. Last evaluated: 2025-09-06. Review status: criteria provided, single submitter. Criteria: Invitae Variant Classification Sherloc (09022015). Collection method: clinical testing. Allele origin: germline.

Ambry Genetics
Classification: Uncertain significance. Last evaluated: 2022-06-30. Review status: criteria provided, single submitter. Criteria: Ambry Variant Classification Scheme 2023. Collection method: clinical testing. Allele origin: germline.
Comment: Unlikely to be causative of SLC12A5-related epilepsy (AD) Based on insufficient or conflicting evidence, the clinical significance of this alteration remains unclear.

PreventionGenetics, part of Exact Sciences
Classification: Likely benign for SLC12A5-related condition. Last evaluated: 2022-12-19. Review status: no assertion criteria provided. Collection method: clinical testing. Allele origin: germline. Not counted in ClinVar's aggregate classification.
Comment: This variant is classified as likely benign based on ACMG/AMP sequence variant interpretation guidelines (Richards et al. 2015 PMID: 25741868, with internal and published modifications).